The following is an entry in ClinVar:

ClinVar aggregate classification (germline): Uncertain significance. Review status: criteria provided, multiple submitters, no conflicts (2 of 4 stars). 2 submissions from 2 submitters: Uncertain significance (2). Last evaluated 2026-01-14.

Conditions:
Hereditary cancer-predisposing syndrome. Also called: Tumor predisposition; Hereditary neoplastic syndrome; Hereditary Cancer Syndrome; Neoplastic Syndromes, Hereditary. Identifiers: Orphanet 140162, MedGen C0027672, MeSH D009386, MONDO:0015356.

Submissions (2):

Ambry Genetics
Classification: Uncertain significance for Hereditary cancer-predisposing syndrome. Last evaluated: 2026-01-14. Review status: criteria provided, single submitter. Criteria: Ambry Variant Classification Scheme 2023. Collection method: clinical testing. Allele origin: germline.
Comment: The p.C2224F variant (also known as c.6671G>T), located in coding exon 48 of the POLE gene, results from a G to T substitution at nucleotide position 6671. The cysteine at codon 2224 is replaced by phenylalanine, an amino acid with highly dissimilar properties. This amino acid position is conserved. In addition, this alteration is predicted to be deleterious by in silico analysis. Based on the available evidence, the clinical significance of this variant remains unclear.

Labcorp Genetics (formerly Invitae), Labcorp
Classification: Uncertain significance. Last evaluated: 2019-10-01. Review status: criteria provided, single submitter. Criteria: Invitae Variant Classification Sherloc (09022015). Collection method: clinical testing. Allele origin: germline.
Comment: In summary, the available evidence is currently insufficient to determine the role of this variant in disease. Therefore, it has been classified as a Variant of Uncertain Significance. Algorithms developed to predict the effect of missense changes on protein structure and function are either unavailable or do not agree on the potential impact of this missense change (SIFT: "Deleterious"; PolyPhen-2: "Probably Damaging"; Align-GVGD: "Class C0"). This variant has not been reported in the literature in individuals with POLE-related conditions. This variant is not present in population databases (ExAC no frequency). This sequence change replaces cysteine with phenylalanine at codon 2224 of the POLE protein (p.Cys2224Phe). The cysteine residue is highly conserved and there is a large physicochemical difference between cysteine and phenylalanine.

NM_006231.4(POLE):c.6671G>T (p.Cys2224Phe)

Gene: POLE (DNA polymerase epsilon, catalytic subunit; minus strand). Cytogenetic location: 12q24.33.
Variant type: single nucleotide variant.
Coding change: c.6671G>T on transcript NM_006231.4 (MANE Select); coding-DNA position 6671, G replaced by T.
Protein change: p.Cys2224Phe; replaces cysteine 2224 with phenylalanine.
Molecular consequence: missense variant.
Genome position (GRCh38, 1-based): chr12:132,624,981, C>A on the plus strand (G>T on the coding strand, the complement: POLE is on the minus strand). VCF-style: chr12-132624981-C-A. GRCh37 (hg19) VCF-style: chr12-133201567-C-A.
Other names: c.6671G>T (NM_006231.2); short protein forms C2224F.
Identifiers: ClinVar variation 941343 (VCV000941343.10), dbSNP rs2041802068, ClinGen allele CA387366243.